The following is an entry in ClinVar:

ClinVar aggregate classification (germline): Pathogenic. Review status: criteria provided, single submitter (1 of 4 stars). 2 submissions from 2 submitters: Pathogenic (1). 1 of the submissions does not count toward it. Last evaluated 2020-11-12.

Conditions:
Inborn genetic diseases. Identifiers: MedGen C0950123, MeSH D030342.
Neuropathy, hereditary sensory and autonomic, type 2A (HSAN2A). Also called: WNK1-Related HSAN2 (HSAN2A); MORVAN DISEASE; NEUROPATHY, CONGENITAL SENSORY; NEUROPATHY, HEREDITARY SENSORY RADICULAR, AUTOSOMAL RECESSIVE; NEUROPATHY, HEREDITARY SENSORY, TYPE IIA; NEUROPATHY, PROGRESSIVE SENSORY, OF CHILDREN. Identifiers: Orphanet 970, MedGen C2752089, MONDO:0024309, OMIM 201300.

Submissions (2):

Ambry Genetics
Classification: Pathogenic for Inborn genetic diseases. Last evaluated: 2020-11-12. Review status: criteria provided, single submitter. Criteria: Ambry Variant Classification Scheme 2023. Collection method: clinical testing. Allele origin: germline.
Comment: The c.2898_2899delGA variant, located in coding exon 10 of the WNK1 gene, results from a deletion of two nucleotides at nucleotide positions 2898 to 2899, causing a translational frameshift with a predicted alternate stop codon (p.Q966Hfs*3). This alteration has been reported in the homozygous state in a patient with features consistent with early childhood onset hereditary sensory and autonomic neuropathy type 2 (Potulska-Chromik A et al. Acta Biochim Pol, 2012 Aug;59:413-5). In addition to the clinical data presented in the literature, this alteration is expected to result in loss of function by premature protein truncation or nonsense-mediated mRNA decay. As such, this alteration is interpreted as a disease-causing mutation.

Institute of Human Genetics, University Hospital Jena
Classification: Pathogenic for Neuropathy, hereditary sensory and autonomic, type 2A. Last evaluated: 2020-07-08. Review status: no assertion criteria provided. Collection method: clinical testing. Allele origin: germline. Affected: yes. Not counted in ClinVar's aggregate classification.

Literature cited by the submitters: PubMed 22910560 (cited by Ambry Genetics and Institute of Human Genetics, University Hospital Jena).

NM_213655.5(WNK1):c.2898_2899del (p.Gln966fs)

Gene: WNK1 (WNK lysine deficient protein kinase 1; plus strand). Cytogenetic location: 12p13.33.
Variant type: Deletion.
Coding change: c.2898_2899del on transcript NM_213655.5 (MANE Plus Clinical); coding-DNA positions 2898 to 2899, 2 bases deleted (GA; older notation c.2898_2899delGA).
Protein change: p.Gln966fs; shifts the reading frame from glutamine 966.
Molecular consequence: frameshift variant. On other transcripts: intron variant (2).
Genome position (GRCh38, 1-based): chr12:868,369-868,370, GA deleted; deleting any 2 consecutive bases within chr12:868,368-868,370 gives the same sequence; the c. name uses the placement nearest the transcript's 3' end. VCF-style (leftmost placement, unchanged base first): chr12-868367-CAG-C. GRCh37 (hg19) VCF-style: chr12-977533-CAG-C.
Other names: c.2643_2644del, p.Gln881fs (NM_001184985.2); c.2140-2896_2140-2895del (NM_018979.4, NM_014823.3); short protein forms Q966fs, Q881fs.
Identifiers: ClinVar variation 973154 (VCV000973154.3), dbSNP rs1951859185, ClinGen allele CA1139662441.